The following is an entry in ClinVar:

NM_003664.5(AP3B1):c.3190G>A (p.Glu1064Lys)

Gene: AP3B1 (adaptor related protein complex 3 subunit beta 1; minus strand). Cytogenetic location: 5q14.1.
Variant type: single nucleotide variant.
Coding change: c.3190G>A on transcript NM_003664.5 (MANE Select); coding-DNA position 3190, G replaced by A.
Protein change: p.Glu1064Lys; replaces glutamic acid 1064 with lysine.
Molecular consequence: missense variant.
Genome position (GRCh38, 1-based): chr5:78,002,997, C>T on the plus strand (G>A on the coding strand, the complement: AP3B1 is on the minus strand). VCF-style: chr5-78002997-C-T. GRCh37 (hg19) VCF-style: chr5-77298821-C-T.
Other names: c.3043G>A, p.Glu1015Lys (NM_001271769.2); short protein forms E1015K, E1064K.
Identifiers: ClinVar variation 1393235 (VCV001393235.3), dbSNP rs767072786, ClinGen allele CA3316533.

ClinVar aggregate classification (germline): Uncertain significance (1 of 4 stars; one submission).

Conditions:
Hermansky-Pudlak syndrome 2 (HPS2). Also called: Platelet defects and oculocutaneous albinism. Identifiers: Orphanet 183678, Orphanet 79430, MedGen C1842362, MONDO:0011997, OMIM 608233.

Allele frequency attached by ClinVar (database versions not stated): ExAC 0.00001; gnomAD 0.00001; TOPMed 0.00001.
gnomAD v4.1: 7 of 1,614,090 alleles (0.00043%); highest among the groups gnomAD compares: Non-Finnish European, 0.00059%; no homozygotes.

Submission:

Labcorp Genetics (formerly Invitae), Labcorp
Classification: Uncertain significance for Hermansky-Pudlak syndrome 2. Last evaluated: 2021-09-02. Review status: criteria provided, single submitter. Criteria: Invitae Variant Classification Sherloc (09022015). Collection method: clinical testing. Allele origin: germline.
Comment: This sequence change replaces glutamic acid with lysine at codon 1064 of the AP3B1 protein (p.Glu1064Lys). The glutamic acid residue is moderately conserved and there is a small physicochemical difference between glutamic acid and lysine. This variant is present in population databases (rs767072786, ExAC 0.001%). This variant has not been reported in the literature in individuals affected with AP3B1-related conditions. Algorithms developed to predict the effect of missense changes on protein structure and function (SIFT, PolyPhen-2, Align-GVGD) all suggest that this variant is likely to be tolerated. In summary, the available evidence is currently insufficient to determine the role of this variant in disease. Therefore, it has been classified as a Variant of Uncertain Significance.